The following is an entry in ClinVar:

NM_004304.5(ALK):c.3599C>T (p.Ala1200Val)

Gene: ALK (ALK receptor tyrosine kinase; minus strand). Cytogenetic location: 2p23.2.
Variant type: single nucleotide variant.
Coding change: c.3599C>T on transcript NM_004304.5 (MANE Select); coding-DNA position 3599, C replaced by T.
Protein change: p.Ala1200Val; replaces alanine 1200 with valine.
Molecular consequence: missense variant.
Genome position (GRCh38, 1-based): chr2:29,220,752, G>A on the plus strand (C>T on the coding strand, the complement: ALK is on the minus strand). VCF-style: chr2-29220752-G-A. GRCh37 (hg19) VCF-style: chr2-29443618-G-A.
Other names: c.395C>T, p.Ala132Val (NM_001353765.2); short protein forms A1200V, A132V.
Identifiers: ClinVar variation 239825 (VCV000239825.27), dbSNP rs200585833, ClinGen allele CA1593854.

ClinVar aggregate classification (germline): Conflicting classifications of pathogenicity. Review status: criteria provided, conflicting classifications (1 of 4 stars). 9 submissions from 9 submitters: Uncertain significance (7); Benign (1). 1 of the submissions does not count toward it. Last evaluated 2026-01-25.

Conditions:
ALK-related disorder. Also called: ALK-related condition.
Hereditary cancer-predisposing syndrome. Also called: Neoplastic Syndromes, Hereditary; Hereditary Cancer Syndrome; Tumor predisposition; Hereditary neoplastic syndrome. Identifiers: Orphanet 140162, MedGen C0027672, MeSH D009386, MONDO:0015356.
Neuroblastoma, susceptibility to, 3. Also called: ALK-Related Neuroblastic Tumor Susceptibility. Identifiers: Orphanet 635, MedGen C2751681, MONDO:0013083, OMIM 613014.

Allele frequency attached by ClinVar (database versions not stated): ESP Exome Variant Server 0.00008; gnomAD 0.00011; TOPMed 0.00018.
gnomAD v4.1: 316 of 1,613,738 alleles (0.02%); highest among the groups gnomAD compares: Non-Finnish European, 0.025%; no homozygotes.

Submissions (9):

Labcorp Genetics (formerly Invitae), Labcorp
Classification: Uncertain significance for Neuroblastoma, susceptibility to, 3. Last evaluated: 2026-01-25. Review status: criteria provided, single submitter. Criteria: Invitae Variant Classification Sherloc (09022015). Collection method: clinical testing. Allele origin: germline.
Comment: This sequence change replaces alanine, which is neutral and non-polar, with valine, which is neutral and non-polar, at codon 1200 of the ALK protein (p.Ala1200Val). This variant is present in population databases (rs200585833, gnomAD 0.02%). This missense change has been observed in individual(s) with retinoblastoma or central nervous system tumor (PMID: 32371905). ClinVar contains an entry for this variant (Variation ID: 239825). An algorithm developed to predict the effect of missense changes on protein structure and function (PolyPhen-2) suggests that this variant is likely to be tolerated. In summary, the available evidence is currently insufficient to determine the role of this variant in disease. Therefore, it has been classified as a Variant of Uncertain Significance.

Blueprint Genetics
Classification: Uncertain significance. Last evaluated: 2024-10-16. Review status: criteria provided, single submitter. Criteria: ACMG Guidelines, 2015. Collection method: clinical testing. Allele origin: germline.

Ambry Genetics
Classification: Benign for Hereditary cancer-predisposing syndrome. Last evaluated: 2024-06-19. Review status: criteria provided, single submitter. Criteria: Ambry Variant Classification Scheme 2023. Collection method: clinical testing. Allele origin: germline.

Fulgent Genetics
Classification: Uncertain significance for Neuroblastoma, susceptibility to, 3. Last evaluated: 2024-04-24. Review status: criteria provided, single submitter. Criteria: ACMG Guidelines, 2015. Collection method: clinical testing. Allele origin: germline.

GeneDx
Classification: Uncertain significance. Last evaluated: 2024-04-01. Review status: criteria provided, single submitter. Criteria: GeneDx Variant Classification Process June 2021. Collection method: clinical testing. Allele origin: germline.
Comment: Identified in a patient with a CNS solid tumor (PMID: 32371905); Published functional studies demonstrate no damaging effect: non-phosphorylated ALK kinase activity was comparable to wild-type (PMID: 25517749, 33674381); In silico analysis supports that this missense variant has a deleterious effect on protein structure/function; This variant is associated with the following publications: (PMID: 27245685, 31712133, 30982079, 34058070, 28756644, 25877891, 26503946, 25517749, 37958763, 33674381, 32371905)

Baylor Genetics
Classification: Uncertain significance for Neuroblastoma, susceptibility to, 3. Last evaluated: 2024-02-21. Review status: criteria provided, single submitter. Criteria: ACMG Guidelines, 2015. Collection method: clinical testing. Allele origin: unknown.

Sema4
Classification: Uncertain significance for Hereditary cancer-predisposing syndrome. Last evaluated: 2021-08-12. Review status: criteria provided, single submitter. Criteria: Sema4 Curation Guidelines. Collection method: curation. Allele origin: germline.
Comment: To the best of our knowledge, the ALK c.3599C>T (p.A1200V) variant has not been reported in individuals with ALK-related disease. A functional study demonstrated the normal function of the protein (PMID: 25517749). It was observed in 25/128554 chromosomes in the Non-Finnish European subpopulation in the large and broad cohorts of the Genome Aggregation Database (PMID: 32461654). This variant has been reported in ClinVar (Variation ID 239825). In silico predictions of the variant's effect on protein function is inconclusive. Based on the current evidence available, this variant is interpreted as a variant of uncertain significance.

Illumina Laboratory Services, Illumina
Classification: Uncertain significance for Neuroblastoma, susceptibility to, 3. Last evaluated: 2018-01-13. Review status: criteria provided, single submitter. Criteria: ICSL Variant Classification Criteria 13 December 2019. Collection method: clinical testing. Allele origin: germline.

PreventionGenetics, part of Exact Sciences
Classification: Uncertain significance for ALK-related condition. Last evaluated: 2024-04-08. Review status: no assertion criteria provided. Collection method: clinical testing. Allele origin: germline. Not counted in ClinVar's aggregate classification.
Comment: The ALK c.3599C>T variant is predicted to result in the amino acid substitution p.Ala1200Val. This variant has been reported in a tumor sample, but not in the germline, of an individual with neuroblastoma (Bresler SC et al 2014. PubMed ID: 25517749). An in vitro study showed that this variant had similar autophosphorylation properties as wild-type (Bresler SC et al 2014. PubMed ID: 25517749). This variant is reported in 0.019% of alleles in individuals of European (Non-Finnish) descent in gnomAD and is interpreted as a variant of uncertain significance in ClinVar. At this time, the clinical significance of this variant is uncertain due to the absence of conclusive functional and genetic evidence.

Literature cited by the submitters: PubMed 32371905 (cited by Labcorp Genetics (formerly Invitae), Labcorp); PubMed 25517749 (cited by Ambry Genetics and Sema4).